The following is an entry in ClinVar:

NM_001110556.2(FLNA):c.1387G>T (p.Val463Leu)

Gene: FLNA (filamin A; minus strand). Cytogenetic location: Xq28.
Variant type: single nucleotide variant.
Coding change: c.1387G>T on transcript NM_001110556.2 (MANE Select); coding-DNA position 1387, G replaced by T.
Protein change: p.Val463Leu; replaces valine 463 with leucine.
Molecular consequence: missense variant.
Genome position (GRCh38, 1-based): chrX:154,366,066, C>A on the plus strand (G>T on the coding strand, the complement: FLNA is on the minus strand). VCF-style: chrX-154366066-C-A. GRCh37 (hg19) VCF-style: chrX-153594434-C-A.
Other names: c.1387G>T, p.Val463Leu (NM_001456.4); short protein forms V463L.
Identifiers: ClinVar variation 1771442 (VCV001771442.4), dbSNP rs782373438, ClinGen allele CA415243685.

ClinVar aggregate classification (germline): Uncertain significance. Review status: criteria provided, multiple submitters, no conflicts (2 of 4 stars). 2 submissions from 2 submitters: Uncertain significance (2). Last evaluated 2024-01-31.

Conditions:
Familial thoracic aortic aneurysm and aortic dissection (TAAD). Also called: Thoracic aortic aneurysms and dissections. Identifiers: Orphanet 91387, MedGen C4707243, MONDO:0019625.
Heterotopia, periventricular, X-linked dominant (PVNH1). Also called: PERIVENTRICULAR NODULAR HETEROTOPIA 4; HETEROTOPIA, PERIVENTRICULAR, 1; PERIVENTRICULAR NODULAR HETEROTOPIA 1; X-linked periventricular heterotopia. Identifiers: Orphanet 2149, Orphanet 82004, MedGen C1848213, MONDO:0010233, OMIM 300049.
Melnick-Needles syndrome (MNS). Also called: Melnick-Needles Syndrome (FLNA-MNS); MELNICK-NEEDLES OSTEODYSPLASTY; OSTEODYSPLASTY OF MELNICK AND NEEDLES. Identifiers: Orphanet 2484, MedGen C0025237, MONDO:0010650, OMIM 309350.
Frontometaphyseal dysplasia (FMD1). Identifiers: Orphanet 1826, MedGen C0265293, MONDO:0015942.
Oto-palato-digital syndrome, type II (OPD2). Also called: Otopalatodigital Syndrome Type 2 (FLNA-OPD2); FACIOPALATOOSSEOUS SYNDROME; OPD II SYNDROME; Otopalatodigital Syndrome, Type II. Identifiers: Orphanet 669, Orphanet 90652, MedGen C1844696, MONDO:0010571, OMIM 304120.

Allele frequency attached by ClinVar (database versions not stated): TOPMed 0.00001.

Submissions (2):

Labcorp Genetics (formerly Invitae), Labcorp
Classification: Uncertain significance for Oto-palato-digital syndrome, type II; Heterotopia, periventricular, X-linked dominant; Frontometaphyseal dysplasia; Melnick-Needles syndrome. Last evaluated: 2024-01-31. Review status: criteria provided, single submitter. Criteria: Invitae Variant Classification Sherloc (09022015). Collection method: clinical testing. Allele origin: germline.
Comment: This sequence change replaces valine, which is neutral and non-polar, with leucine, which is neutral and non-polar, at codon 463 of the FLNA protein (p.Val463Leu). This variant is not present in population databases (gnomAD no frequency). This variant has not been reported in the literature in individuals affected with FLNA-related conditions. ClinVar contains an entry for this variant (Variation ID: 1771442). Advanced modeling of protein sequence and biophysical properties (such as structural, functional, and spatial information, amino acid conservation, physicochemical variation, residue mobility, and thermodynamic stability) performed at Invitae indicates that this missense variant is not expected to disrupt FLNA protein function with a negative predictive value of 95%. In summary, the available evidence is currently insufficient to determine the role of this variant in disease. Therefore, it has been classified as a Variant of Uncertain Significance.

Ambry Genetics
Classification: Uncertain significance for Familial thoracic aortic aneurysm and aortic dissection. Last evaluated: 2021-12-01. Review status: criteria provided, single submitter. Criteria: Ambry Variant Classification Scheme 2023. Collection method: clinical testing. Allele origin: germline.
Comment: The p.V463L variant (also known as c.1387G>T), located in coding exon 8 of the FLNA gene, results from a G to T substitution at nucleotide position 1387. The valine at codon 463 is replaced by leucine, an amino acid with highly similar properties. This amino acid position is not well conserved in available vertebrate species. In addition, this alteration is predicted to be tolerated by in silico analysis. Since supporting evidence is limited at this time, the clinical significance of this alteration remains unclear.